The following is an entry in ClinVar:

NM_152618.3(BBS12):c.1394T>C (p.Val465Ala)

Gene: BBS12 (Bardet-Biedl syndrome 12; plus strand). Cytogenetic location: 4q27.
Variant type: single nucleotide variant.
Coding change: c.1394T>C on transcript NM_152618.3 (MANE Select); coding-DNA position 1394, T replaced by C.
Protein change: p.Val465Ala; replaces valine 465 with alanine.
Molecular consequence: missense variant.
Genome position (GRCh38, 1-based): chr4:122,743,286, T>C. VCF-style: chr4-122743286-T-C. GRCh37 (hg19) VCF-style: chr4-123664441-T-C.
Other names: c.1394T>C, p.Val465Ala (NM_001178007.2); short protein forms V465A.
Identifiers: ClinVar variation 866376 (VCV000866376.11), dbSNP rs1357690062, ClinGen allele CA358225023.

ClinVar aggregate classification (germline): Conflicting classifications of pathogenicity. Review status: criteria provided, conflicting classifications (1 of 4 stars). 6 submissions from 6 submitters: Likely pathogenic (3); Uncertain significance (2). 1 of the submissions does not count toward it. Last evaluated 2026-04-06.

Conditions:
BBS12-related disorder. Also called: BBS12-related condition.
Bardet-Biedl syndrome (BBS). Identifiers: Orphanet 110, MedGen C0752166, MONDO:0015229.
Bardet-Biedl syndrome 12 (BBS12). Identifiers: Orphanet 110, MedGen C1859570, MONDO:0014440, OMIM 615989.

Allele frequency attached by ClinVar (database versions not stated): gnomAD exomes below 0.00001 and 0.00001; gnomAD 0.00001; TOPMed 0.00002.
gnomAD v4.1: 17 of 1,614,104 alleles (0.0011%); highest among the groups gnomAD compares: Non-Finnish European, 0.0014%; no homozygotes.

Submissions (6):

PreventionGenetics, part of Exact Sciences
Classification: Uncertain significance for BBS12-related condition. Last evaluated: 2026-04-06. Review status: criteria provided, single submitter. Criteria: ACMG Guidelines, 2015. Collection method: clinical testing. Allele origin: germline.
Comment: The BBS12 c.1394T>C variant is predicted to result in the amino acid substitution p.Val465Ala. This variant has been reported along with a frameshift variant in BBS12 in one individual with Bardet-Biedl syndrome (Supplemental Table 1 in Feuillan et al. 2011. PubMed ID: 21209035) and in another individual with retinitis pigmentosa (Table 1, Hariri et al 2017. PubMed ID: 31047384). This variant is reported in 0.00077% of alleles in individuals of European (Non-Finnish) descent in gnomAD, and has conflicting interpretations in ClinVar. At this time, the clinical significance of this variant is uncertain due to the absence of conclusive functional and genetic evidence.

Fulgent Genetics
Classification: Likely pathogenic for Bardet-Biedl syndrome 12. Last evaluated: 2024-02-11. Review status: criteria provided, single submitter. Criteria: ACMG Guidelines, 2015. Collection method: clinical testing. Allele origin: germline.

Baylor Genetics
Classification: Likely pathogenic for Bardet-Biedl syndrome 12. Last evaluated: 2023-12-20. Review status: criteria provided, single submitter. Criteria: ACMG Guidelines, 2015. Collection method: clinical testing. Allele origin: unknown.

Labcorp Genetics (formerly Invitae), Labcorp
Classification: Uncertain significance for Bardet-Biedl syndrome. Last evaluated: 2022-02-08. Review status: criteria provided, single submitter. Criteria: Invitae Variant Classification Sherloc (09022015). Collection method: clinical testing. Allele origin: germline.
Comment: This sequence change replaces valine, which is neutral and non-polar, with alanine, which is neutral and non-polar, at codon 465 of the BBS12 protein (p.Val465Ala). This variant is present in population databases (no rsID available, gnomAD 0.002%). This missense change has been observed in individual(s) with Bardet-Biedl syndrome (PMID: 21209035). ClinVar contains an entry for this variant (Variation ID: 866376). Algorithms developed to predict the effect of missense changes on protein structure and function are either unavailable or do not agree on the potential impact of this missense change (SIFT: "Deleterious"; PolyPhen-2: "Probably Damaging"; Align-GVGD: "Class C0"). In summary, the available evidence is currently insufficient to determine the role of this variant in disease. Therefore, it has been classified as a Variant of Uncertain Significance.

Blueprint Genetics
Classification: Likely pathogenic for BBS12-related disorders. Last evaluated: 2019-06-20. Review status: criteria provided, single submitter. Criteria: ACMG Guidelines, 2015. Collection method: clinical testing. Allele origin: germline. Affected: yes. Observed: 1 variant allele.

Natera, Inc.
Classification: Uncertain significance for Bardet-Biedl syndrome type 12. Last evaluated: 2021-03-03. Review status: no assertion criteria provided. Collection method: clinical testing. Allele origin: germline. Not counted in ClinVar's aggregate classification.

Literature cited by the submitters: PubMed 21209035 (cited by Labcorp Genetics (formerly Invitae), Labcorp).